The following is an entry in ClinVar:

NM_020779.4(WDR35):c.920C>T (p.Ser307Phe)

Gene: WDR35 (WD repeat domain 35; minus strand). Cytogenetic location: 2p24.1.
Variant type: single nucleotide variant.
Coding change: c.920C>T on transcript NM_020779.4 (MANE Select); coding-DNA position 920, C replaced by T.
Protein change: p.Ser307Phe; replaces serine 307 with phenylalanine.
Molecular consequence: missense variant.
Genome position (GRCh38, 1-based): chr2:19,969,568, G>A on the plus strand (C>T on the coding strand, the complement: WDR35 is on the minus strand). VCF-style: chr2-19969568-G-A. GRCh37 (hg19) VCF-style: chr2-20169329-G-A.
Other names: c.920C>T, p.Ser307Phe (NM_001006657.2); short protein forms S307F.
Identifiers: ClinVar variation 1993827 (VCV001993827.4), dbSNP rs891314524, ClinGen allele CA43422747.

ClinVar aggregate classification (germline): Uncertain significance (1 of 4 stars; one submission).

Conditions:
Short-rib thoracic dysplasia 7 with or without polydactyly (SRTD7). Also called: Short rib polydactyly syndrome 5; SHORT-RIB THORACIC DYSPLASIA 7 WITH POLYDACTYLY. Identifiers: Orphanet 498497, Orphanet 93271, MedGen C3279792, MONDO:0013569, OMIM 614091.
Cranioectodermal dysplasia 2 (CED2). Identifiers: Orphanet 1515, MedGen C3150874, MONDO:0013323, OMIM 613610.

Submission:

Labcorp Genetics (formerly Invitae), Labcorp
Classification: Uncertain significance for Cranioectodermal dysplasia 2; Short-rib thoracic dysplasia 7 with or without polydactyly. Last evaluated: 2022-05-12. Review status: criteria provided, single submitter. Criteria: Invitae Variant Classification Sherloc (09022015). Collection method: clinical testing. Allele origin: germline.
Comment: Algorithms developed to predict the effect of missense changes on protein structure and function are either unavailable or do not agree on the potential impact of this missense change (SIFT: "Deleterious"; PolyPhen-2: "Possibly Damaging"; Align-GVGD: "Class C0"). In summary, the available evidence is currently insufficient to determine the role of this variant in disease. Therefore, it has been classified as a Variant of Uncertain Significance. This variant has not been reported in the literature in individuals affected with WDR35-related conditions. This variant is not present in population databases (gnomAD no frequency). This sequence change replaces serine, which is neutral and polar, with phenylalanine, which is neutral and non-polar, at codon 307 of the WDR35 protein (p.Ser307Phe).